The following is an entry in ClinVar:

NM_000041.4(APOE):c.548G>C (p.Gly183Ala)

Gene: APOE (apolipoprotein E; plus strand). Cytogenetic location: 19q13.32.
Variant type: single nucleotide variant.
Coding change: c.548G>C on transcript NM_000041.4 (MANE Select); coding-DNA position 548, G replaced by C.
Protein change: p.Gly183Ala; replaces glycine 183 with alanine.
Molecular consequence: missense variant.
Genome position (GRCh38, 1-based): chr19:44,908,844, G>C. VCF-style: chr19-44908844-G-C. GRCh37 (hg19) VCF-style: chr19-45412101-G-C.
Other names: p.Gly183Ala; c.626G>C, p.Gly209Ala (NM_001302688.2); c.548G>C, p.Gly183Ala (NM_001302689.2, NM_001302690.2, NM_001302691.2); short protein forms G183A, G209A.
Identifiers: ClinVar variation 1341575 (VCV001341575.2), dbSNP rs2122137937, ClinGen allele CA406304233.

ClinVar aggregate classification (germline): Likely pathogenic (1 of 4 stars; one submission).

Conditions:
Familial type 3 hyperlipoproteinemia. Also called: Apolipoprotein e, deficiency or defect of; Dysbetalipoproteinemia due to defect in apolipoprotein e-d; Familial hyperbeta- and prebetalipoproteinemia; Familial hypercholesterolemia with hyperlipemia; Floating-betalipoproteinemia; Hyperlipemia with familial hypercholesterolemic xanthomatosis. Identifiers: Orphanet 412, MedGen C0020479, MONDO:0018473, OMIM 617347.

Submission:

Laboratory of Inherited Metabolic Diseases, Research centre for medical genetics
Classification: Likely pathogenic for Familial type 3 hyperlipoproteinemia. Last evaluated: 2022-02-15. Review status: criteria provided, single submitter. Criteria: ACMG Guidelines, 2015. Collection method: clinical testing. Allele origin: unknown. Inheritance: Autosomal unknown. Affected: yes.
Comment: Found in heterozygous state.